The following is an entry in ClinVar:

NM_001267550.2(TTN):c.83603del (p.Gly27868fs)

Genes: TTN-AS1 (TTN antisense RNA 1; plus strand), TTN (titin; minus strand). Cytogenetic location: 2q31.2.
Variant type: Deletion.
Coding change: c.83603del on transcript NM_001267550.2 (MANE Select); coding-DNA position 83603, one base deleted (G; older notation c.83603delG).
Protein change: p.Gly27868fs; shifts the reading frame from glycine 27868.
Molecular consequence: frameshift variant.
Genome position (GRCh38, 1-based): chr2:178,562,529, C deleted on the plus strand (G on the coding strand, the reverse complement: TTN is on the minus strand); the first of 2 consecutive C bases (chr2:178,562,529-178,562,530); deleting either gives the same sequence. VCF-style (leftmost placement, unchanged base first): chr2-178562528-TC-T. GRCh37 (hg19) VCF-style: chr2-179427255-TC-T.
Other names: c.75899delG (NM_133378.4); c.78680del, p.Gly26227fs (NM_001256850.1); c.56408del, p.Gly18803fs (NM_003319.4); c.75899del, p.Gly25300fs (NM_133378.4); c.56783del, p.Gly18928fs (NM_133432.3); c.56984del, p.Gly18995fs (NM_133437.4); short protein forms G25300fs, G27868fs, G18803fs, G18928fs, G18995fs, G26227fs.
Identifiers: ClinVar variation 179642 (VCV000179642.7), dbSNP rs727505014, ClinGen allele CA273641.

ClinVar aggregate classification (germline): Likely pathogenic. Review status: criteria provided, multiple submitters, no conflicts (2 of 4 stars). 2 submissions from 2 submitters: Likely pathogenic (2). Last evaluated 2024-12-10.

Conditions:
Dilated cardiomyopathy 1G (CMD1G). Identifiers: Orphanet 154, MedGen C1858763, MONDO:0011400, OMIM 604145.
Autosomal recessive limb-girdle muscular dystrophy type 2J (LGMDR10). Also called: Limb-girdle muscular dystrophy, type 2J; MUSCULAR DYSTROPHY, LIMB-GIRDLE, AUTOSOMAL RECESSIVE 10. Identifiers: Orphanet 140922, MedGen C1837342, MONDO:0012127, OMIM 608807.
Primary dilated cardiomyopathy (DCM). Also called: Dilated Cardiomyopathy. Identifiers: Orphanet 217604, MedGen C0007193, MeSH D002311, MONDO:0005021, HP:0001644. Inheritance: Various modes of inheritance.

Submissions (2):

Labcorp Genetics (formerly Invitae), Labcorp
Classification: Likely pathogenic for Dilated cardiomyopathy 1G; Autosomal recessive limb-girdle muscular dystrophy type 2J. Last evaluated: 2024-12-10. Review status: criteria provided, single submitter. Criteria: Invitae Variant Classification Sherloc (09022015). Collection method: clinical testing. Allele origin: germline.
Comment: This sequence change creates a premature translational stop signal (p.Gly27868Glufs*3) in the TTN gene. While this is not anticipated to result in nonsense mediated decay, it is expected to create a truncated TTN protein. This variant is not present in population databases (gnomAD no frequency). This variant has not been reported in the literature in individuals affected with TTN-related conditions. ClinVar contains an entry for this variant (Variation ID: 179642). This variant is located in the A band of TTN (PMID: 25589632). Truncating variants in this region are significantly overrepresented in patients affected with dilated cardiomyopathy (PMID: 25589632). Truncating variants in this region have also been reported in individuals affected with autosomal recessive centronuclear myopathy (PMID: 23975875). In summary, the currently available evidence indicates that the variant is pathogenic, but additional data are needed to prove that conclusively. Therefore, this variant has been classified as Likely Pathogenic.

Laboratory for Molecular Medicine, Mass General Brigham Personalized Medicine
Classification: Likely pathogenic for Primary dilated cardiomyopathy. Last evaluated: 2014-10-06. Review status: criteria provided, single submitter. Criteria: LMM Criteria. Collection method: clinical testing. Allele origin: germline. Inheritance: Autosomal dominant inheritance. Observed: 1 variant allele.

Literature cited by the submitters: PubMed 25589632 (cited by Labcorp Genetics (formerly Invitae), Labcorp); PubMed 23975875 (cited by Labcorp Genetics (formerly Invitae), Labcorp).